The following is an entry in ClinVar:

NM_000428.3(LTBP2):c.418C>G (p.Pro140Ala)

Gene: LTBP2 (latent transforming growth factor beta binding protein 2; minus strand). Cytogenetic location: 14q24.3.
Variant type: single nucleotide variant.
Coding change: c.418C>G on transcript NM_000428.3 (MANE Select); coding-DNA position 418, C replaced by G.
Protein change: p.Pro140Ala; replaces proline 140 with alanine.
Molecular consequence: missense variant.
Genome position (GRCh38, 1-based): chr14:74,611,527, G>C on the plus strand (C>G on the coding strand, the complement: LTBP2 is on the minus strand). VCF-style: chr14-74611527-G-C. GRCh37 (hg19) VCF-style: chr14-75078230-G-C.
Other names: short protein forms P140A.
Identifiers: ClinVar variation 4771461 (VCV004771461.1).

ClinVar aggregate classification (germline): Uncertain significance (1 of 4 stars; one submission).

Submission:

Labcorp Genetics (formerly Invitae), Labcorp
Classification: Uncertain significance. Last evaluated: 2025-02-11. Review status: criteria provided, single submitter. Criteria: Invitae Variant Classification Sherloc (09022015). Collection method: clinical testing. Allele origin: germline.
Comment: This sequence change replaces proline, which is neutral and non-polar, with alanine, which is neutral and non-polar, at codon 140 of the LTBP2 protein (p.Pro140Ala). This variant is present in population databases (rs753563916, gnomAD 0.001%). This variant has not been reported in the literature in individuals affected with LTBP2-related conditions. An algorithm developed to predict the effect of missense changes on protein structure and function (PolyPhen-2) suggests that this variant is likely to be tolerated. In summary, the available evidence is currently insufficient to determine the role of this variant in disease. Therefore, it has been classified as a Variant of Uncertain Significance.